The following is an entry in ClinVar:

ClinVar aggregate classification (germline): Uncertain significance (1 of 4 stars; one submission).

Conditions:
Retinoblastoma (RB1). Also called: RETINOBLASTOMA, SOMATIC. Identifiers: Orphanet 790, MedGen C0035335, MeSH D012175, MONDO:0008380, OMIM 180200, HP:0009919. Disease mechanism: loss of function. Inheritance: Both sporadic and heritable forms are tested..

Submission:

Labcorp Genetics (formerly Invitae), Labcorp
Classification: Uncertain significance for Retinoblastoma. Last evaluated: 2024-02-17. Review status: criteria provided, single submitter. Criteria: Invitae Variant Classification Sherloc (09022015). Collection method: clinical testing. Allele origin: germline.
Comment: This sequence change replaces serine, which is neutral and polar, with tyrosine, which is neutral and polar, at codon 608 of the RB1 protein (p.Ser608Tyr). This variant is not present in population databases (gnomAD no frequency). This variant has not been reported in the literature in individuals affected with RB1-related conditions. ClinVar contains an entry for this variant (Variation ID: 2002612). Advanced modeling of protein sequence and biophysical properties (such as structural, functional, and spatial information, amino acid conservation, physicochemical variation, residue mobility, and thermodynamic stability) performed at Invitae indicates that this missense variant is expected to disrupt RB1 protein function with a positive predictive value of 80%. In summary, the available evidence is currently insufficient to determine the role of this variant in disease. Therefore, it has been classified as a Variant of Uncertain Significance.

NM_000321.3(RB1):c.1823C>A (p.Ser608Tyr)

Gene: RB1 (RB transcriptional corepressor 1; plus strand). Cytogenetic location: 13q14.2.
Variant type: single nucleotide variant.
Coding change: c.1823C>A on transcript NM_000321.3 (MANE Select); coding-DNA position 1823, C replaced by A.
Protein change: p.Ser608Tyr; replaces serine 608 with tyrosine.
Molecular consequence: missense variant.
Genome position (GRCh38, 1-based): chr13:48,456,212, C>A. VCF-style: chr13-48456212-C-A. GRCh37 (hg19) VCF-style: chr13-49030348-C-A.
Other names: c.1823C>A, p.Ser608Tyr (NM_001407165.1); short protein forms S608Y.
Identifiers: ClinVar variation 2002612 (VCV002002612.4), dbSNP rs775051210, ClinGen allele CA388165706.